The following is an entry in ClinVar:

NM_000018.4(ACADVL):c.298C>G (p.Gln100Glu)

Gene: ACADVL (acyl-CoA dehydrogenase very long chain; plus strand). Cytogenetic location: 17p13.1.
Variant type: single nucleotide variant.
Coding change: c.298C>G on transcript NM_000018.4 (MANE Select); coding-DNA position 298, C replaced by G.
Protein change: p.Gln100Glu; replaces glutamine 100 with glutamic acid.
Molecular consequence: missense variant.
Genome position (GRCh38, 1-based): chr17:7,220,786, C>G. VCF-style: chr17-7220786-C-G. GRCh37 (hg19) VCF-style: chr17-7124105-C-G.
Other names: c.232C>G, p.Gln78Glu (NM_001033859.3); c.367C>G, p.Gln123Glu (NM_001270447.2); c.70C>G, p.Gln24Glu (NM_001270448.2); c.298C>G (NM_000018.2); short protein forms Q100E, Q78E, Q123E, Q24E.
Identifiers: ClinVar variation 650634 (VCV000650634.12), dbSNP rs750675692, ClinGen allele CA8337643.

ClinVar aggregate classification (germline): Uncertain significance. Review status: criteria provided, multiple submitters, no conflicts (2 of 4 stars). 6 submissions from 6 submitters: Uncertain significance (5). 1 of the submissions does not count toward it. Last evaluated 2025-02-11.

Conditions:
Very long chain acyl-CoA dehydrogenase deficiency (ACADVLD). Also called: Very Long-Chain Acyl-Coenzyme A Dehydrogenase Deficiency; VLCAD Deficiency. Identifiers: Orphanet 26793, MedGen C3887523, MONDO:0008723, OMIM 201475.

Allele frequency attached by ClinVar (database versions not stated): gnomAD exomes 0.00005 and 0.00002; ExAC 0.00003; gnomAD 0.00003; TOPMed 0.00004.

Submissions (6):

GeneDx
Classification: Uncertain significance. Last evaluated: 2025-02-11. Review status: criteria provided, single submitter. Criteria: GeneDx Variant Classification Process June 2021. Collection method: clinical testing. Allele origin: germline. Affected: yes.
Comment: Has not been previously published as pathogenic or benign to our knowledge; Not observed at significant frequency in large population cohorts (gnomAD); In silico analysis indicates that this missense variant does not alter protein structure/function

Labcorp Genetics (formerly Invitae), Labcorp
Classification: Uncertain significance for Very long chain acyl-CoA dehydrogenase deficiency. Last evaluated: 2022-06-17. Review status: criteria provided, single submitter. Criteria: Invitae Variant Classification Sherloc (09022015). Collection method: clinical testing. Allele origin: germline.
Comment: This sequence change replaces glutamine, which is neutral and polar, with glutamic acid, which is acidic and polar, at codon 100 of the ACADVL protein (p.Gln100Glu). This variant is present in population databases (rs750675692, gnomAD 0.006%). This variant has not been reported in the literature in individuals affected with ACADVL-related conditions. ClinVar contains an entry for this variant (Variation ID: 650634). Algorithms developed to predict the effect of missense changes on protein structure and function (SIFT, PolyPhen-2, Align-GVGD) all suggest that this variant is likely to be tolerated. In summary, the available evidence is currently insufficient to determine the role of this variant in disease. Therefore, it has been classified as a Variant of Uncertain Significance.

Blueprint Genetics
Classification: Uncertain significance. Last evaluated: 2022-04-12. Review status: criteria provided, single submitter. Criteria: ACMG Guidelines, 2015. Collection method: clinical testing. Allele origin: germline.

Wong Mito Lab, Molecular and Human Genetics, Baylor College of Medicine
Classification: Uncertain significance for Very long chain acyl-CoA dehydrogenase deficiency. Last evaluated: 2019-11-01. Review status: criteria provided, single submitter. Criteria: ACMG Guidelines, 2015. Collection method: clinical testing. Allele origin: germline.
Comment: The NM_000018.3:c.298C>G (NP_000009.1:p.Gln100Glu) [GRCH38: NC_000017.11:g.7220786C>G] variant in ACADVL gene is interpretated to be Uncertain Significance based on ACMG guidelines (PMID: 25741868). This variant has been reported.This variant dose not meet any evidence codes reported in the ACMG guidelines.

Illumina Laboratory Services, Illumina
Classification: Uncertain significance for Very long chain acyl-CoA dehydrogenase deficiency. Last evaluated: 2018-01-12. Review status: criteria provided, single submitter. Criteria: ICSL Variant Classification Criteria 13 December 2019. Collection method: clinical testing. Allele origin: germline.

Natera, Inc.
Classification: Uncertain significance for Very long chain acyl-CoA dehydrogenase deficiency. Last evaluated: 2020-09-16. Review status: no assertion criteria provided. Collection method: clinical testing. Allele origin: germline. Not counted in ClinVar's aggregate classification.